The following is an entry in ClinVar:

NM_012310.5(KIF4A):c.969A>G (p.Thr323=)

Gene: KIF4A (kinesin family member 4A; plus strand). Cytogenetic location: Xq13.1.
Variant type: single nucleotide variant.
Coding change: c.969A>G on transcript NM_012310.5 (MANE Select); coding-DNA position 969, A replaced by G.
Protein change: p.Thr323=; no amino-acid change (threonine 323 retained).
Molecular consequence: synonymous variant.
Genome position (GRCh38, 1-based): chrX:70,330,230, A>G. VCF-style: chrX-70330230-A-G. GRCh37 (hg19) VCF-style: chrX-69550080-A-G.
Other names: c.969A>G (NM_012310.4).
Identifiers: ClinVar variation 1300074 (VCV001300074.5), dbSNP rs5936873, ClinGen allele CA10441053.

ClinVar aggregate classification (germline): Benign. Review status: criteria provided, multiple submitters, no conflicts (2 of 4 stars). 3 submissions from 3 submitters: Benign (2). 1 of the submissions does not count toward it. Last evaluated 2021-08-19.

Conditions:
KIF4A-related disorder. Also called: KIF4A-related condition.
Intellectual developmental disorder, X-linked 100. Also called: Intellectual disability, X-linked 100. Identifiers: MedGen C3890167, MONDO:0010488, OMIM 300923.

Allele frequency attached by ClinVar (database versions not stated): gnomAD 0.03190 and 0.02938; gnomAD exomes 0.03782 and 0.02091; 1000 Genomes Project 30x 0.08117; ESP Exome Variant Server 0.02490; TOPMed 0.03507; ExAC 0.03945; 1000 Genomes Project 0.08503.
gnomAD v4.1: 27,229 of 1,209,497 alleles (2.3%); highest among the groups gnomAD compares: East Asian, 24%; 944 homozygotes.

Submissions (3):

Genome-Nilou Lab
Classification: Benign for Intellectual developmental disorder, X-linked 100. Last evaluated: 2021-08-19. Review status: criteria provided, single submitter. Criteria: ACMG Guidelines, 2015. Collection method: clinical testing. Allele origin: germline. Affected: no.

Breakthrough Genomics
Classification: Benign. Review status: criteria provided, single submitter. Criteria: ACMG Guidelines, 2015. Collection method: not provided. Allele origin: germline. Inheritance: X-linked inheritance. Affected: yes.

PreventionGenetics, part of Exact Sciences
Classification: Benign for KIF4A-related condition. Last evaluated: 2019-06-11. Review status: no assertion criteria provided. Collection method: clinical testing. Allele origin: germline. Not counted in ClinVar's aggregate classification.
Comment: This variant is classified as benign based on ACMG/AMP sequence variant interpretation guidelines (Richards et al. 2015 PMID: 25741868, with internal and published modifications).